The following is an entry in ClinVar:

ClinVar aggregate classification (germline): Uncertain significance. Review status: criteria provided, multiple submitters, no conflicts (2 of 4 stars). 2 submissions from 2 submitters: Uncertain significance (2). Last evaluated 2026-01-21.

Conditions:
Emery-Dreifuss muscular dystrophy 5, autosomal dominant (EDMD5). Also called: EMERY-DREIFUSS MUSCULAR DYSTROPHY 5. Identifiers: Orphanet 261, MedGen C2751805, MONDO:0013072, OMIM 612999.

Allele frequency attached by ClinVar (database versions not stated): ExAC 0.00001; gnomAD 0.00001; gnomAD exomes 0.00001 and 0.00002; TOPMed 0.00002.

Submissions (2):

Labcorp Genetics (formerly Invitae), Labcorp
Classification: Uncertain significance for Emery-Dreifuss muscular dystrophy 5, autosomal dominant. Last evaluated: 2026-01-21. Review status: criteria provided, single submitter. Criteria: Invitae Variant Classification Sherloc (09022015). Collection method: clinical testing. Allele origin: germline.
Comment: This sequence change falls in intron 72 of the SYNE2 gene. It does not directly change the encoded amino acid sequence of the SYNE2 protein. It affects a nucleotide within the consensus splice site. This variant is present in population databases (rs758985012, gnomAD 0.009%). This variant has not been reported in the literature in individuals affected with SYNE2-related conditions. ClinVar contains an entry for this variant (Variation ID: 470930). Variants that disrupt the consensus splice site are a relatively common cause of aberrant splicing (PMID: 17576681, 9536098). Experimental studies and prediction algorithms are not available or were not evaluated, and the effect of this variant on mRNA splicing is currently unknown. In summary, the available evidence is currently insufficient to determine the role of this variant in disease. Therefore, it has been classified as a Variant of Uncertain Significance.

Revvity Omics, Revvity
Classification: Uncertain significance for Emery-Dreifuss muscular dystrophy 5, autosomal dominant. Last evaluated: 2023-05-10. Review status: criteria provided, single submitter. Criteria: ACMG Guidelines, 2015. Collection method: clinical testing. Allele origin: germline.

Literature cited by the submitters: PubMed 17576681 (cited by Labcorp Genetics (formerly Invitae), Labcorp); PubMed 9536098 (cited by Labcorp Genetics (formerly Invitae), Labcorp).

NM_182914.3(SYNE2):c.13695_13707+2dup

Gene: SYNE2 (spectrin repeat containing nuclear envelope protein 2; plus strand). Cytogenetic location: 14q23.2.
Variant type: Duplication.
Coding change: c.13695_13707+2dup on transcript NM_182914.3 (MANE Select); coding-DNA position 13695 through the canonical splice donor site of the intron after coding-DNA position 13707, 15 bases duplicated (GGTGCACTACGAGGT).
Molecular consequence: splice donor variant.
Genome position (GRCh38, 1-based): chr14:64,126,467-64,126,481, GGTGCACTACGAGGT duplicated. VCF-style (leftmost placement, unchanged base first): chr14-64126466-A-AGGTGCACTACGAGGT. GRCh37 (hg19) VCF-style: chr14-64593184-A-AGGTGCACTACGAGGT.
Other names: c.13695_13707+2dup (NM_182914.2, NM_015180.6); c.13695_13707+2dupGGTGCACTACGAGGT (NM_182914.2).
Identifiers: ClinVar variation 470930 (VCV000470930.9), dbSNP rs758985012, ClinGen allele CA7222524.